The following is an entry in ClinVar:

NM_178335.3(CCDC50):c.131C>T (p.Ser44Leu)

Gene: CCDC50 (coiled-coil domain containing 50; plus strand). Cytogenetic location: 3q28.
Variant type: single nucleotide variant.
Coding change: c.131C>T on transcript NM_178335.3 (MANE Select); coding-DNA position 131, C replaced by T.
Protein change: p.Ser44Leu; replaces serine 44 with leucine.
Molecular consequence: missense variant.
Genome position (GRCh38, 1-based): chr3:191,358,016, C>T. VCF-style: chr3-191358016-C-T. GRCh37 (hg19) VCF-style: chr3-191075805-C-T.
Other names: c.131C>T, p.Ser44Leu (NM_174908.4); short protein forms S44L.
Identifiers: ClinVar variation 4074550 (VCV004074550.2).
Genomic context (GRCh38, chr3:191,358,016, plus strand): 5'-CCAAGACATTATTCATTCCTGTCCTCAATCTTTTTGTTCCAGTTGAGCATCATTTGGCAT[C>T]GAACGTTCAGCGGAACCGTTTGGTCCAGCATGATCTCCAGGTGGCTAAGCAGCTCCAAGA-3'
Protein context (NP_848018.1, residues 34-54): QEQEIEHHLA[Ser44Leu]NVQRNRLVQH

ClinVar aggregate classification (germline): Uncertain significance. Review status: criteria provided, multiple submitters, no conflicts (2 of 4 stars). 2 submissions from 2 submitters: Uncertain significance (2). Last evaluated 2026-01-21.

gnomAD v4.1: 1 of 1,613,974 alleles (0.000062%); highest among the groups gnomAD compares: Admixed American, 0.0017%; no homozygotes.

Submissions (2):

Labcorp Genetics (formerly Invitae), Labcorp
Classification: Uncertain significance. Last evaluated: 2026-01-21. Review status: criteria provided, single submitter. Criteria: Invitae Variant Classification Sherloc (09022015). Collection method: clinical testing. Allele origin: germline.
Comment: This sequence change replaces serine, which is neutral and polar, with leucine, which is neutral and non-polar, at codon 44 of the CCDC50 protein (p.Ser44Leu). This variant is present in population databases (no rsID available, gnomAD 0.003%). This variant has not been reported in the literature in individuals affected with CCDC50-related conditions. ClinVar contains an entry for this variant (Variation ID: 4074550). An algorithm developed to predict the effect of missense changes on protein structure and function (PolyPhen-2) suggests that this variant is likely to be disruptive. In summary, the available evidence is currently insufficient to determine the role of this variant in disease. Therefore, it has been classified as a Variant of Uncertain Significance.

GeneDx
Classification: Uncertain significance. Last evaluated: 2025-02-06. Review status: criteria provided, single submitter. Criteria: GeneDx Variant Classification Process June 2021. Collection method: clinical testing. Allele origin: germline. Affected: yes.
Comment: Not observed at significant frequency in large population cohorts (gnomAD); In silico analysis supports that this missense variant has a deleterious effect on protein structure/function; Has not been previously published as pathogenic or benign to our knowledge